The following is an entry in ClinVar:

ClinVar aggregate classification (germline): Uncertain significance. Review status: criteria provided, multiple submitters, no conflicts (2 of 4 stars). 2 submissions from 2 submitters: Uncertain significance (2). Last evaluated 2025-10-14.

Conditions:
Hereditary cancer-predisposing syndrome. Also called: Tumor predisposition; Hereditary neoplastic syndrome; Neoplastic Syndromes, Hereditary; Hereditary Cancer Syndrome. Identifiers: Orphanet 140162, MedGen C0027672, MeSH D009386, MONDO:0015356.
Breast-ovarian cancer, familial, susceptibility to, 4. Identifiers: Orphanet 145, MedGen C3280345, MONDO:0013669, OMIM 614291.

Allele frequency attached by ClinVar (database versions not stated): TOPMed 0.00001.

Submissions (2):

Ambry Genetics
Classification: Uncertain significance for Hereditary cancer-predisposing syndrome. Last evaluated: 2025-10-14. Review status: criteria provided, single submitter. Criteria: Ambry Variant Classification Scheme 2023. Collection method: clinical testing. Allele origin: germline.
Comment: The p.V245M variant (also known as c.733G>A), located in coding exon 8 of the RAD51D gene, results from a G to A substitution at nucleotide position 733. The valine at codon 245 is replaced by methionine, an amino acid with highly similar properties. This amino acid position is conserved. In addition, this alteration is predicted to be deleterious by in silico analysis. Based on the available evidence, the clinical significance of this variant remains unclear.

Labcorp Genetics (formerly Invitae), Labcorp
Classification: Uncertain significance for Breast-ovarian cancer, familial, susceptibility to, 4. Last evaluated: 2022-04-05. Review status: criteria provided, single submitter. Criteria: Invitae Variant Classification Sherloc (09022015). Collection method: clinical testing. Allele origin: germline.
Comment: This sequence change replaces valine, which is neutral and non-polar, with methionine, which is neutral and non-polar, at codon 245 of the RAD51D protein (p.Val245Met). This variant is not present in population databases (gnomAD no frequency). In summary, the available evidence is currently insufficient to determine the role of this variant in disease. Therefore, it has been classified as a Variant of Uncertain Significance. RNA analysis performed to evaluate the impact of this missense change on mRNA splicing indicates it does not significantly alter splicing (Invitae). Algorithms developed to predict the effect of missense changes on protein structure and function are either unavailable or do not agree on the potential impact of this missense change (SIFT: "Deleterious"; PolyPhen-2: "Probably Damaging"; Align-GVGD: "Class C0"). This variant has not been reported in the literature in individuals affected with RAD51D-related conditions.

NM_002878.4(RAD51D):c.733G>A (p.Val245Met)

Genes: RAD51D (RAD51 paralog D; minus strand), RAD51L3-RFFL (RAD51L3-RFFL readthrough; minus strand). Cytogenetic location: 17q12.
Variant type: single nucleotide variant.
Coding change: c.733G>A on transcript NM_002878.4 (MANE Select); coding-DNA position 733, G replaced by A.
Protein change: p.Val245Met; replaces valine 245 with methionine.
Molecular consequence: missense variant. On other transcripts: non-coding transcript variant (3).
Genome position (GRCh38, 1-based): chr17:35,103,259, C>T on the plus strand (G>A on the coding strand, the complement: RAD51D is on the minus strand). VCF-style: chr17-35103259-C-T. GRCh37 (hg19) VCF-style: chr17-33430278-C-T.
Other names: c.793G>A, p.Val265Met (NM_001142571.2); c.397G>A, p.Val133Met (NM_133629.3); short protein forms V265M, V133M, V245M.
Identifiers: ClinVar variation 2202605 (VCV002202605.5), dbSNP rs1266969371, ClinGen allele CA399087489.